The following is an entry in ClinVar:

ClinVar aggregate classification (germline): Uncertain significance (1 of 4 stars; one submission).

gnomAD v4.1: 8 of 1,613,636 alleles (0.0005%); highest among the groups gnomAD compares: African/African-American, 0.0013%; no homozygotes.

Submission:

Ambry Genetics
Classification: Uncertain significance. Last evaluated: 2024-05-25. Review status: criteria provided, single submitter. Criteria: Ambry Variant Classification Scheme 2023. Collection method: clinical testing. Allele origin: germline.
Comment: The p.I356T variant (also known as c.1067T>C), located in coding exon 7 of the POLQ gene, results from a T to C substitution at nucleotide position 1067. The isoleucine at codon 356 is replaced by threonine, an amino acid with similar properties. This amino acid position is conserved. In addition, this alteration is predicted to be tolerated by in silico analysis. Since supporting evidence is limited at this time, the clinical significance of this alteration remains unclear.

NM_199420.4(POLQ):c.1067T>C (p.Ile356Thr)

Gene: POLQ (DNA polymerase theta; minus strand). Cytogenetic location: 3q13.33.
Variant type: single nucleotide variant.
Coding change: c.1067T>C on transcript NM_199420.4 (MANE Select); coding-DNA position 1067, T replaced by C.
Protein change: p.Ile356Thr; replaces isoleucine 356 with threonine.
Molecular consequence: missense variant.
Genome position (GRCh38, 1-based): chr3:121,529,686, A>G on the plus strand (T>C on the coding strand, the complement: POLQ is on the minus strand). VCF-style: chr3-121529686-A-G. GRCh37 (hg19) VCF-style: chr3-121248533-A-G.
Other names: short protein forms I356T.
Identifiers: ClinVar variation 1782283 (VCV001782283.3), dbSNP rs1243543586, ClinGen allele CA354124442.